The following is an entry in ClinVar:

ClinVar aggregate classification (germline): Uncertain significance (1 of 4 stars; one submission).

Conditions:
Complement component 3 deficiency. Identifiers: Orphanet 280133, MedGen C3151071, MONDO:0013417, OMIM 613779.
C3 glomerulonephritis. Also called: Nephropathy due to CFHR5 Deficiency; C3 GLOMERULOPATHY 3. Identifiers: Orphanet 329931, MedGen C4055342, MONDO:0013892, OMIM 614809.
Atypical hemolytic-uremic syndrome. Identifiers: Orphanet 2134, MedGen C2931788, MONDO:0016244.

Submission:

Genomenon, Inc
Classification: Uncertain significance for Complement component 3 deficiency; C3 glomerulonephritis; Atypical hemolytic-uremic syndrome. Last evaluated: 2025-09-30. Review status: criteria provided, single submitter. Criteria: Genomenon Sequence Variant Interpretation Standards. Collection method: curation. Allele origin: germline. Affected: no.
Comment: C3 p.Asp1121Ala (c.3362A>C) is a missense variant that changes the amino acid at residue 1121 from Aspartic acid to Alanine. This variant has been reported in the published literature (PMID:20951140;20083651). It is absent or not present at a significant frequency in gnomAD. In silico models agree that this variant is not damaging. In conclusion, we classify C3 p.Asp1121Ala (c.3362A>C) as a variant of unknown significance.

Literature cited by the submitters: PubMed 20951140; PubMed 20083651.

NM_000064.4(C3):c.3362A>C (p.Asp1121Ala)

Gene: C3 (complement C3; minus strand). Cytogenetic location: 19p13.3.
Variant type: single nucleotide variant.
Coding change: c.3362A>C on transcript NM_000064.4 (MANE Select); coding-DNA position 3362, A replaced by C.
Protein change: p.Asp1121Ala; replaces aspartic acid 1121 with alanine.
Molecular consequence: missense variant.
Genome position (GRCh38, 1-based): chr19:6,692,952, T>G on the plus strand (A>C on the coding strand, the complement: C3 is on the minus strand). VCF-style: chr19-6692952-T-G. GRCh37 (hg19) VCF-style: chr19-6692963-T-G.
Other names: short protein forms D1121A.
Identifiers: ClinVar variation 4280206 (VCV004280206.1).
Genomic context (GRCh38, chr19:6,692,952, plus strand): 5'-CTTCCATTTTGCCCTAAATCCCAGCCTCTTACAATCATTTCTTGGTGTATCACGGGCGCA[T>G]CCTCCTGGAAGACCCCGTCGGGCTTCTGCTTCTCCAGGATCAGCCATTTAACAGCCCCGC-3'
Protein context (NP_000055.2, residues 1111-1131): KQKPDGVFQE[Asp1121Ala]APVIHQEMIG